The following is an entry in ClinVar:

NM_001111.5(ADAR):c.2152G>A (p.Glu718Lys)

Gene: ADAR (adenosine deaminase RNA specific; minus strand). Cytogenetic location: 1q21.3.
Variant type: single nucleotide variant.
Coding change: c.2152G>A on transcript NM_001111.5 (MANE Select); coding-DNA position 2152, G replaced by A.
Protein change: p.Glu718Lys; replaces glutamic acid 718 with lysine.
Molecular consequence: missense variant.
Genome position (GRCh38, 1-based): chr1:154,596,923, C>T on the plus strand (G>A on the coding strand, the complement: ADAR is on the minus strand). VCF-style: chr1-154596923-C-T. GRCh37 (hg19) VCF-style: chr1-154569399-C-T.
Other names: c.1267G>A, p.Glu423Lys (NM_001025107.3, NM_001193495.2, NM_001365046.1 and 3 more transcripts); c.2179G>A, p.Glu727Lys (NM_001365045.1); c.2152G>A, p.Glu718Lys (NM_015840.4); c.2095G>A, p.Glu699Lys (NM_015841.4); short protein forms E699K, E423K, E727K, E718K.
Identifiers: ClinVar variation 1351170 (VCV001351170.6), dbSNP rs1280463566, ClinGen allele CA342637898.
Genomic context (GRCh38, chr1:154,596,923, plus strand): 5'-GGGAGCGGGCGTACTCCAAAAGGCCACCCACAGGGTTGGTGTTCAGGTATCTCACGAGCT[C>T]GCCAATCTTCCTGACCTTGTTGGGCATCATGGATTCCAAGTTATCAAGTGACTCTGAGAT-3'
Protein context (NP_001102.3, residues 708-728): MMPNKVRKIG[Glu718Lys]LVRYLNTNPV

ClinVar aggregate classification (germline): Uncertain significance (1 of 4 stars; one submission).

Conditions:
Symmetrical dyschromatosis of extremities (DSH). Also called: DYSCHROMATOSIS SYMMETRICA HEREDITARIA 1; RETICULATE ACROPIGMENTATION OF DOHI; SYMMETRIC DYSCHROMATOSIS OF THE EXTREMITIES; Dyschromatosis symmetrica hereditaria. Identifiers: Orphanet 41, MedGen C0406775, MONDO:0007483, OMIM 127400.
Aicardi-Goutieres syndrome 6 (AGS6). Identifiers: Orphanet 51, MedGen C3539013, MONDO:0014007, OMIM 615010.

Allele frequency attached by ClinVar (database versions not stated): gnomAD exomes below 0.00001; gnomAD 0.00001; TOPMed 0.00001.
gnomAD v4.1: 6 of 1,614,020 alleles (0.00037%); highest among the groups gnomAD compares: Admixed American, 0.0033%; no homozygotes.

Submission:

Labcorp Genetics (formerly Invitae), Labcorp
Classification: Uncertain significance for Aicardi-Goutieres syndrome 6; Symmetrical dyschromatosis of extremities. Last evaluated: 2025-06-29. Review status: criteria provided, single submitter. Criteria: Invitae Variant Classification Sherloc (09022015). Collection method: clinical testing. Allele origin: germline.
Comment: This sequence change replaces glutamic acid, which is acidic and polar, with lysine, which is basic and polar, at codon 718 of the ADAR protein (p.Glu718Lys). This variant is present in population databases (no rsID available, gnomAD 0.003%). This variant has not been reported in the literature in individuals affected with ADAR-related conditions. ClinVar contains an entry for this variant (Variation ID: 1351170). Invitae Evidence Modeling of protein sequence and biophysical properties (such as structural, functional, and spatial information, amino acid conservation, physicochemical variation, residue mobility, and thermodynamic stability) indicates that this missense variant is not expected to disrupt ADAR protein function with a negative predictive value of 80%. In summary, the available evidence is currently insufficient to determine the role of this variant in disease. Therefore, it has been classified as a Variant of Uncertain Significance.